The following is an entry in ClinVar:

NR_004394.2(RNU6-1):n.55_56insG

Gene: RNU6-1 (RNA, U6 small nuclear 1; minus strand). Cytogenetic location: 15q23.
Variant type: Insertion.
Molecular consequence: non-coding transcript variant (on NR_004394.2).
Genome position: GRCh38 VCF-style: chr15-67839990-T-TC. GRCh37 (hg19) VCF-style: chr15-68132328-T-TC.
Other names: NC_000015.10:g.67839990_67839991insC.
Identifiers: ClinVar variation 4282508 (VCV004282508.2).
Genomic context (GRCh38, chr15:67,839,990, plus strand): 5'-ACCTGATGTAAAAATATGGAACGCTTCACGAATTTGCGTGTCATCCTTGCGCAGGGGCCA[T>TC]GCTAATCTTCTCTGTATCGTTCCAATTTTAGTATATGTGCTGCCGAAGCGAGCACGGTGT-3'

ClinVar aggregate classification (germline): Likely pathogenic. Review status: criteria provided, multiple submitters, no conflicts (2 of 4 stars). 2 submissions from 2 submitters: Likely pathogenic (2). Last evaluated 2026-06-29.

Conditions:
Retinal disorder. Also called: Retinopathy; Retinopathies; Retinal Diseases; Retinal disorders. Identifiers: MedGen C0035309, MONDO:0005283, HP:0000488.
Retinitis pigmentosa (RP). Identifiers: Orphanet 791, MedGen C0035334, MeSH D012174, MONDO:0019200, OMIM 268000. Inheritance: Autosomal dominant, autosomal recessive and X linked inheritance.

Submissions (2):

Genetics Laboratory, Great Ormond Street Hospital NHS Foundation Trust, North Thames Genomic Laboratory Hub
Classification: Likely pathogenic for Retinal disorders. Last evaluated: 2026-06-29. Review status: criteria provided, single submitter. Criteria: ACGS Best Practice Guidelines for Variant Classification in Rare Disease 2024 v1.2. Collection method: clinical testing. Allele origin: germline. Affected: yes.
Comment: PS4_moderate, PM2_moderate, PM1_moderate, PM6_supporting

Ophthalmic Genetics Group, Institute of Molecular and Clinical Ophthalmology Basel
Classification: Likely pathogenic for Retinitis pigmentosa. Last evaluated: 2025-10-01. Review status: criteria provided, single submitter. Criteria: ACMG Guidelines, 2015. Collection method: research. Allele origin: germline. Affected: yes. Observed: 8 variant alleles.
Comment: The NR_004394.1:n.55_56insG variant is a single base-paitr insertion in RNU6-1. It was found in 5 unrelated probands with retinitis pigmentosa among ~5,000 cases tested. It is absent from gnomAD (v4.1.0) and from AllofUs. It was therefore significantly enriched (Fisher's exact test) in cases vs controls and we applied PS4 criteria. PM2_sup was not applied to avoid counting evidence already used for PS4 criteria. It also was present in 3 affected family members and therefore PP1_mod was applied. It was also shown to affect a conserved region and to have an effect on the U4/U6 duplex modeled in 2D. In summary, using ACMG criteria and more specifically ClinGen recommendations, this variant was classified as likely pathogenic with PS4 and PP1_mod criteria.